The following is an entry in ClinVar:

NM_181552.4(CUX1):c.2625G>A (p.Ser875=)

Gene: CUX1 (cut like homeobox 1; plus strand). Cytogenetic location: 7q22.1.
Variant type: single nucleotide variant.
Coding change: c.2625G>A on transcript NM_181552.4 (MANE Select); coding-DNA position 2625, G replaced by A.
Protein change: p.Ser875=; no amino-acid change (serine 875 retained).
Molecular consequence: synonymous variant. On other transcripts: intron variant (5).
Genome position (GRCh38, 1-based): chr7:102,201,922, G>A. VCF-style: chr7-102201922-G-A. GRCh37 (hg19) VCF-style: chr7-101845202-G-A.
Other names: c.2658G>A, p.Ser886= (NM_001202543.2); c.1255+6319G>A (NM_001913.5); c.1249+6319G>A (NM_181500.4); c.1117+6319G>A (NM_001202545.3); c.1207+6319G>A (NM_001202544.3); c.1138+6319G>A (NM_001202546.3).
Identifiers: ClinVar variation 4872112 (VCV004872112.3).

ClinVar aggregate classification (germline): Likely benign. Review status: criteria provided, multiple submitters, no conflicts (2 of 4 stars). 2 submissions from 2 submitters: Likely benign (2). Last evaluated 2026-05-01.

gnomAD v4.1: 129 of 1,614,066 alleles (0.008%); highest among the groups gnomAD compares: Middle Eastern, 0.049%; no homozygotes.

Submissions (2):

CeGaT Center for Human Genetics Tuebingen
Classification: Likely benign. Last evaluated: 2026-05-01. Review status: criteria provided, single submitter. Criteria: CeGaT Center For Human Genetics Tuebingen Variant Classification Criteria Version 2. Collection method: clinical testing. Allele origin: germline. Affected: yes. Observed: 1 variant allele.
Comment: CUX1: BP4, BP7

Blueprint Genetics
Classification: Likely benign. Last evaluated: 2024-10-31. Review status: criteria provided, single submitter. Criteria: ACMG Guidelines, 2015. Collection method: clinical testing. Allele origin: germline.